The following is an entry in ClinVar:

ClinVar aggregate classification (germline): Uncertain significance (1 of 4 stars; one submission).

gnomAD v4.1: 8 of 1,613,962 alleles (0.0005%); highest among the groups gnomAD compares: African/African-American, 0.011%; no homozygotes.

Submission:

Labcorp Genetics (formerly Invitae), Labcorp
Classification: Uncertain significance. Last evaluated: 2024-09-01. Review status: criteria provided, single submitter. Criteria: Invitae Variant Classification Sherloc (09022015). Collection method: clinical testing. Allele origin: germline.
Comment: This sequence change replaces leucine, which is neutral and non-polar, with phenylalanine, which is neutral and non-polar, at codon 34 of the ELP1 protein (p.Leu34Phe). This variant is present in population databases (rs140944971, gnomAD 0.02%). This variant has not been reported in the literature in individuals affected with ELP1-related conditions. Invitae Evidence Modeling of protein sequence and biophysical properties (such as structural, functional, and spatial information, amino acid conservation, physicochemical variation, residue mobility, and thermodynamic stability) indicates that this missense variant is not expected to disrupt ELP1 protein function with a negative predictive value of 80%. In summary, the available evidence is currently insufficient to determine the role of this variant in disease. Therefore, it has been classified as a Variant of Uncertain Significance.

NM_003640.5(ELP1):c.100C>T (p.Leu34Phe)

Gene: ELP1 (elongator acetyltransferase complex subunit 1; minus strand). Cytogenetic location: 9q31.3.
Variant type: single nucleotide variant.
Coding change: c.100C>T on transcript NM_003640.5 (MANE Select); coding-DNA position 100, C replaced by T.
Protein change: p.Leu34Phe; replaces leucine 34 with phenylalanine.
Molecular consequence: missense variant. On other transcripts: 5 prime UTR variant (2).
Genome position (GRCh38, 1-based): chr9:108,931,047, G>A on the plus strand (C>T on the coding strand, the complement: ELP1 is on the minus strand). VCF-style: chr9-108931047-G-A. GRCh37 (hg19) VCF-style: chr9-111693327-G-A.
Other names: c.-243C>T (NM_001318360.2); c.-760C>T (NM_001330749.2); short protein forms L34F.
Identifiers: ClinVar variation 3707248 (VCV003707248.1).